The following is an entry in ClinVar:

ClinVar aggregate classification (germline): Uncertain significance (1 of 4 stars; one submission).

Submission:

GeneDx
Classification: Uncertain significance. Last evaluated: 2026-03-25. Review status: criteria provided, single submitter. Criteria: GeneDx Variant Classification Process June 2021. Collection method: clinical testing. Allele origin: germline.
Comment: Not observed at significant frequency in large population cohorts (gnomAD); In silico analysis supports that this missense variant has a deleterious effect on protein structure/function; Has not been previously published as pathogenic or benign to our knowledge

NM_001357.5(DHX9):c.3727G>A (p.Gly1243Arg)

Gene: DHX9 (DExH-box helicase 9; plus strand). Cytogenetic location: 1q25.3.
Variant type: single nucleotide variant.
Coding change: c.3727G>A on transcript NM_001357.5 (MANE Select); coding-DNA position 3727, G replaced by A.
Protein change: p.Gly1243Arg; replaces glycine 1243 with arginine.
Molecular consequence: missense variant. On other transcripts: non-coding transcript variant (1).
Genome position (GRCh38, 1-based): chr1:182,887,348, G>A. VCF-style: chr1-182887348-G-A. GRCh37 (hg19) VCF-style: chr1-182856483-G-A.
Other names: short protein forms G1243R.
Identifiers: ClinVar variation 5017167 (VCV005017167.1).